The following is an entry in ClinVar:

ClinVar aggregate classification (germline): Uncertain significance (1 of 4 stars; one submission).

Conditions:
Baller-Gerold syndrome (BGS). Also called: CRANIOSYNOSTOSIS WITH RADIAL DEFECTS. Identifiers: Orphanet 1225, MedGen C0265308, MONDO:0009039, OMIM 218600.

Allele frequency attached by ClinVar (database versions not stated): gnomAD exomes below 0.00001.
gnomAD v4.1: 1 of 1,612,560 alleles (0.000062%); highest among the groups gnomAD compares: Non-Finnish European, 0.000085%; no homozygotes.

Submission:

Labcorp Genetics (formerly Invitae), Labcorp
Classification: Uncertain significance for Baller-Gerold syndrome. Last evaluated: 2025-10-28. Review status: criteria provided, single submitter. Criteria: Invitae Variant Classification Sherloc (09022015). Collection method: clinical testing. Allele origin: germline.
Comment: This sequence change replaces glutamic acid, which is acidic and polar, with lysine, which is basic and polar, at codon 1202 of the RECQL4 protein (p.Glu1202Lys). This variant is not present in population databases (gnomAD no frequency). This variant has not been reported in the literature in individuals affected with RECQL4-related conditions. ClinVar contains an entry for this variant (Variation ID: 1027272). Invitae Evidence Modeling of protein sequence and biophysical properties (such as structural, functional, and spatial information, amino acid conservation, physicochemical variation, residue mobility, and thermodynamic stability) indicates that this missense variant is expected to disrupt RECQL4 protein function with a positive predictive value of 80%. In summary, the available evidence is currently insufficient to determine the role of this variant in disease. Therefore, it has been classified as a Variant of Uncertain Significance.

NM_004260.4(RECQL4):c.3604G>A (p.Glu1202Lys)

Gene: RECQL4 (RecQ like helicase 4; minus strand). Cytogenetic location: 8q24.3.
Variant type: single nucleotide variant.
Coding change: c.3604G>A on transcript NM_004260.4 (MANE Select); coding-DNA position 3604, G replaced by A.
Protein change: p.Glu1202Lys; replaces glutamic acid 1202 with lysine.
Molecular consequence: missense variant.
Genome position (GRCh38, 1-based): chr8:144,511,454, C>T on the plus strand (G>A on the coding strand, the complement: RECQL4 is on the minus strand). VCF-style: chr8-144511454-C-T. GRCh37 (hg19) VCF-style: chr8-145736837-C-T.
Other names: short protein forms E1202K.
Identifiers: ClinVar variation 1027272 (VCV001027272.5), dbSNP rs1827173179, ClinGen allele CA372665628.